The following is an entry in ClinVar:

ClinVar aggregate classification (germline): Pathogenic (1 of 4 stars; one submission).

Conditions:
Lynch syndrome 5 (LYNCH5). Also called: Colorectal cancer, hereditary nonpolyposis, type 5; Hereditary non-polyposis colorectal cancer, type 5. Identifiers: Orphanet 144, MedGen C1833477, MONDO:0013710, OMIM 614350. Disease mechanism: loss of function.

Submission:

Myriad Genetics, Inc.
Classification: Pathogenic for Lynch syndrome 5. Last evaluated: 2023-08-25. Review status: criteria provided, single submitter. Criteria: Myriad Autosomal Dominant, Autosomal Recessive and X-Linked Classification Criteria (2023). Collection method: clinical testing. Allele origin: unknown.
Comment: This variant is considered pathogenic. This variant creates a frameshift predicted to result in premature protein truncation.

NM_000179.3(MSH6):c.3705_3717dup (p.Lys1240delinsCysTer)

Gene: MSH6 (mutS homolog 6; plus strand). Cytogenetic location: 2p16.3.
Variant type: Duplication.
Coding change: c.3705_3717dup on transcript NM_000179.3 (MANE Select); coding-DNA positions 3705 to 3717, 13 bases duplicated (TGCTGAGACTATA).
Protein change: p.Lys1240delinsCysTer.
Molecular consequence: nonsense. On other transcripts: non-coding transcript variant (5).
Genome position (GRCh38, 1-based): chr2:47,806,262-47,806,274, TGCTGAGACTATA duplicated. VCF-style (leftmost placement, unchanged base first): chr2-47806261-T-TTGCTGAGACTATA. GRCh37 (hg19) VCF-style: chr2-48033400-T-TTGCTGAGACTATA.
Other names: c.3408_3420dup, p.Lys1141delinsCysTer (NM_001406824.1, NM_001406825.1, NM_001406827.1 and 10 more transcripts); c.3537_3549dup, p.Lys1184delinsCysTer (NM_001406826.1); c.2799_2811dup, p.Lys938delinsCysTer (NM_001406829.1, NM_001281493.2, NM_001281494.2 and 6 more transcripts); c.486_498dup, p.Lys167delinsCysTer (NM_001406831.1); c.552_564dup, p.Lys189delinsCysTer (NM_001406832.1); c.1650_1662dup, p.Lys555delinsCysTer (NM_001407362.1); c.3315_3327dup, p.Lys1110delinsCysTer (NM_001281492.2); c.3801_3813dup, p.Lys1272delinsCysTer (NM_001406795.1, NM_001406802.1); and 7 more.
Identifiers: ClinVar variation 2673670 (VCV002673670.1), dbSNP rs2530841352, ClinGen allele CA2695200606.